The following is an entry in ClinVar:

NM_001083614.2(EARS2):c.958+4C>T

Gene: EARS2 (glutamyl-tRNA synthetase 2, mitochondrial; minus strand). Cytogenetic location: 16p12.2.
Variant type: single nucleotide variant.
Coding change: c.958+4C>T on transcript NM_001083614.2 (MANE Select); 4 bases into the intron after coding-DNA position 958, C replaced by T.
Molecular consequence: intron variant.
Genome position (GRCh38, 1-based): chr16:23,534,884, G>A on the plus strand (C>T on the coding strand, the complement: EARS2 is on the minus strand). VCF-style: chr16-23534884-G-A. GRCh37 (hg19) VCF-style: chr16-23546205-G-A.
Other names: p.?; c.958+4C>T (NM_001308211.1).
Identifiers: ClinVar variation 513161 (VCV000513161.6), dbSNP rs543979506, ClinGen allele CA7962467.

ClinVar aggregate classification (germline): Conflicting classifications of pathogenicity. Review status: criteria provided, conflicting classifications (1 of 4 stars). 4 submissions from 4 submitters: Uncertain significance (1); Likely benign (2). 1 of the submissions does not count toward it. Last evaluated 2025-07-11.

Conditions:
EARS2-related disorder. Also called: EARS2-related disorders; EARS2-related condition.

Allele frequency attached by ClinVar (database versions not stated): ExAC 0.00002; gnomAD exomes 0.00002 and 0.00003; TOPMed 0.00002; gnomAD 0.00003 and 0.00004.

Submissions (4):

Mayo Clinic Laboratories, Mayo Clinic
Classification: Likely benign. Last evaluated: 2025-07-11. Review status: criteria provided, single submitter. Criteria: ACMG Guidelines, 2015. Collection method: clinical testing. Allele origin: germline. Observed: 1 variant allele.
Comment: BP4, BP7

Labcorp Genetics (formerly Invitae), Labcorp
Classification: Uncertain significance. Last evaluated: 2023-10-03. Review status: criteria provided, single submitter. Criteria: Invitae Variant Classification Sherloc (09022015). Collection method: clinical testing. Allele origin: germline.
Comment: This sequence change falls in intron 4 of the EARS2 gene. It does not directly change the encoded amino acid sequence of the EARS2 protein. It affects a nucleotide within the consensus splice site. This variant is present in population databases (rs543979506, gnomAD 0.006%). This variant has not been reported in the literature in individuals affected with EARS2-related conditions. ClinVar contains an entry for this variant (Variation ID: 513161). Variants that disrupt the consensus splice site are a relatively common cause of aberrant splicing (PMID: 17576681, 9536098). Algorithms developed to predict the effect of sequence changes on RNA splicing suggest that this variant is not likely to affect RNA splicing. In summary, the available evidence is currently insufficient to determine the role of this variant in disease. Therefore, it has been classified as a Variant of Uncertain Significance.

GeneDx
Classification: Likely benign. Last evaluated: 2017-11-16. Review status: criteria provided, single submitter. Criteria: GeneDx Variant Classification (06012015). Collection method: clinical testing. Allele origin: germline. Affected: yes.
Comment: This variant is considered likely benign or benign based on one or more of the following criteria: it is a conservative change, it occurs at a poorly conserved position in the protein, it is predicted to be benign by multiple in silico algorithms, and/or has population frequency not consistent with disease.

PreventionGenetics, part of Exact Sciences
Classification: Likely benign for EARS2-related condition. Last evaluated: 2020-03-09. Review status: no assertion criteria provided. Collection method: clinical testing. Allele origin: germline. Not counted in ClinVar's aggregate classification.
Comment: This variant is classified as likely benign based on ACMG/AMP sequence variant interpretation guidelines (Richards et al. 2015 PMID: 25741868, with internal and published modifications).

Literature cited by the submitters: PubMed 17576681 (cited by Labcorp Genetics (formerly Invitae), Labcorp); PubMed 9536098 (cited by Labcorp Genetics (formerly Invitae), Labcorp).